The following is an entry in ClinVar:

ClinVar aggregate classification (germline): Uncertain significance. Review status: criteria provided, multiple submitters, no conflicts (2 of 4 stars). 2 submissions from 2 submitters: Uncertain significance (2). Last evaluated 2025-10-29.

Allele frequency attached by ClinVar (database versions not stated): gnomAD 0.00001; TOPMed 0.00001; gnomAD exomes 0.00002.

Submissions (2):

Labcorp Genetics (formerly Invitae), Labcorp
Classification: Uncertain significance. Last evaluated: 2025-10-29. Review status: criteria provided, single submitter. Criteria: Invitae Variant Classification Sherloc (09022015). Collection method: clinical testing. Allele origin: germline.
Comment: This sequence change falls in intron 29 of the ABCC8 gene. It does not directly change the encoded amino acid sequence of the ABCC8 protein. It affects a nucleotide within the consensus splice site. This variant is present in population databases (no rsID available, gnomAD 0.002%). This variant has not been reported in the literature in individuals affected with ABCC8-related conditions. ClinVar contains an entry for this variant (Variation ID: 2185675). Variants that disrupt the consensus splice site are a relatively common cause of aberrant splicing (PMID: 17576681, 9536098). Algorithms developed to predict the effect of sequence changes on RNA splicing suggest that this variant may create or strengthen a splice site. In summary, the available evidence is currently insufficient to determine the role of this variant in disease. Therefore, it has been classified as a Variant of Uncertain Significance.

GeneDx
Classification: Uncertain significance. Last evaluated: 2024-06-13. Review status: criteria provided, single submitter. Criteria: GeneDx Variant Classification Process June 2021. Collection method: clinical testing. Allele origin: germline. Affected: yes.
Comment: Not observed at significant frequency in large population cohorts (gnomAD); Has not been previously published as pathogenic or benign to our knowledge; In silico analysis suggests this variant may impact gene splicing; in the absence of RNA/functional studies the actual effect of this sequence change is unknown

Literature cited by the submitters: PubMed 17576681 (cited by Labcorp Genetics (formerly Invitae), Labcorp); PubMed 9536098 (cited by Labcorp Genetics (formerly Invitae), Labcorp).

NM_000352.6(ABCC8):c.3650+5G>A

Gene: ABCC8 (ATP binding cassette subfamily C member 8; minus strand). Cytogenetic location: 11p15.1.
Variant type: single nucleotide variant.
Coding change: c.3650+5G>A on transcript NM_000352.6 (MANE Select); 5 bases into the intron after coding-DNA position 3650, G replaced by A.
Molecular consequence: intron variant.
Genome position (GRCh38, 1-based): chr11:17,402,656, C>T on the plus strand (G>A on the coding strand, the complement: ABCC8 is on the minus strand). VCF-style: chr11-17402656-C-T. GRCh37 (hg19) VCF-style: chr11-17424203-C-T.
Other names: c.3647+5G>A (NM_001351297.2); c.3650+5G>A (NM_001351296.2); c.3716+5G>A (NM_001351295.2); c.3653+5G>A (NM_001287174.3).
Identifiers: ClinVar variation 2185675 (VCV002185675.4), dbSNP rs1223260788, ClinGen allele CA597665144.
Genomic context (GRCh38, chr11:17,402,656, plus strand): 5'-CATGGCCTGTGCCCCCTGGCCCCACCCCTGTTCCACTCCTACCTTGGGGGAATGTGGACT[C>T]GTACCTGAAGGCCCGGATGGTGGTGAGTCCTTCTACGGTTTCGGCAAAGTGTGAGAGAAG-3'